The following is an entry in ClinVar:

ClinVar aggregate classification (germline): Uncertain significance (1 of 4 stars; one submission).

Conditions:
Inborn genetic diseases. Identifiers: MedGen C0950123, MeSH D030342.

gnomAD v4.1: 4 of 1,613,792 alleles (0.00025%); highest among the groups gnomAD compares: Non-Finnish European, 0.00034%; no homozygotes.

Submission:

Ambry Genetics
Classification: Uncertain significance for Inborn genetic diseases. Last evaluated: 2025-11-15. Review status: criteria provided, single submitter. Criteria: Ambry Variant Classification Scheme 2023. Collection method: clinical testing. Allele origin: germline.
Comment: The p.Q472E variant (also known as c.1414C>G), located in coding exon 1 of the SAMD9L gene, results from a C to G substitution at nucleotide position 1414. The glutamine at codon 472 is replaced by glutamic acid, an amino acid with highly similar properties. This amino acid position is conserved. In addition, this alteration is predicted to be tolerated by in silico analysis. Based on the available evidence, the clinical significance of this variant remains unclear.

NM_152703.5(SAMD9L):c.1414C>G (p.Gln472Glu)

Gene: SAMD9L (sterile alpha motif domain containing 9 like; minus strand). Cytogenetic location: 7q21.2.
Variant type: single nucleotide variant.
Coding change: c.1414C>G on transcript NM_152703.5 (MANE Select); coding-DNA position 1414, C replaced by G.
Protein change: p.Gln472Glu; replaces glutamine 472 with glutamic acid.
Molecular consequence: missense variant.
Genome position (GRCh38, 1-based): chr7:93,134,558, G>C on the plus strand (C>G on the coding strand, the complement: SAMD9L is on the minus strand). VCF-style: chr7-93134558-G-C. GRCh37 (hg19) VCF-style: chr7-92763871-G-C.
Other names: c.1414C>G, p.Gln472Glu (NM_001303497.3, NM_001303498.3, NM_001303500.3 and 5 more transcripts); short protein forms Q472E.
Identifiers: ClinVar variation 4630118 (VCV004630118.1).
Genomic context (GRCh38, chr7:93,134,558, plus strand): 5'-GTTGGTAAAGATTAAGAGTAGAAATCTTCTCCCACATGTTAGTTGTCTTGTCTTCATATT[G>C]ATTTGGAAAGTGAAGGTTTGCCACCCGACTTTCTTTGTAAGCTTTGACCACTCCATTGAT-3'
Protein context (NP_689916.2, residues 462-482): SRVANLHFPN[Gln472Glu]YEDKTTNMWE